The following is an entry in ClinVar:

ClinVar aggregate classification (germline): Uncertain significance. Review status: criteria provided, multiple submitters, no conflicts (2 of 4 stars). 3 submissions from 3 submitters: Uncertain significance (3). Last evaluated 2025-12-17.

Conditions:
Hereditary cancer-predisposing syndrome. Also called: Hereditary Cancer Syndrome; Tumor predisposition; Neoplastic Syndromes, Hereditary; Hereditary neoplastic syndrome. Identifiers: Orphanet 140162, MedGen C0027672, MeSH D009386, MONDO:0015356.
Global developmental delay - lung cysts - overgrowth - Wilms tumor syndrome. Also called: GLOW Syndrome; GLOBAL DEVELOPMENTAL DELAY, LUNG CYSTS, OVERGROWTH, AND WILMS TUMOR. Identifiers: Orphanet 404476, MedGen C4748924, MONDO:0018445, OMIM 618272.
DICER1-related tumor predisposition. Also called: DICER1 syndrome; DICER1-related pleuropulmonary blastoma cancer predisposition syndrome. Identifiers: Orphanet 284343, MedGen C3839822, MONDO:0100216.

gnomAD v4.1: 2 of 1,614,124 alleles (0.00012%); no homozygotes.

Submissions (3):

Ambry Genetics
Classification: Uncertain significance for Hereditary cancer-predisposing syndrome. Last evaluated: 2025-12-17. Review status: criteria provided, single submitter. Criteria: Ambry Variant Classification Scheme 2023. Collection method: clinical testing. Allele origin: germline.
Comment: The p.K354Q variant (also known as c.1060A>C), located in coding exon 7 of the DICER1 gene, results from an A to C substitution at nucleotide position 1060. The lysine at codon 354 is replaced by glutamine, an amino acid with similar properties. This amino acid position is highly conserved in available vertebrate species. In addition, this alteration is predicted to be tolerated by in silico analysis. Based on the available evidence, the clinical significance of this variant remains unclear.

Labcorp Genetics (formerly Invitae), Labcorp
Classification: Uncertain significance for DICER1-related tumor predisposition. Last evaluated: 2025-02-06. Review status: criteria provided, single submitter. Criteria: Invitae Variant Classification Sherloc (09022015). Collection method: clinical testing. Allele origin: germline.
Comment: This sequence change replaces lysine, which is basic and polar, with glutamine, which is neutral and polar, at codon 354 of the DICER1 protein (p.Lys354Gln). This variant is not present in population databases (gnomAD no frequency). This variant has not been reported in the literature in individuals affected with DICER1-related conditions. ClinVar contains an entry for this variant (Variation ID: 835106). Invitae Evidence Modeling of protein sequence and biophysical properties (such as structural, functional, and spatial information, amino acid conservation, physicochemical variation, residue mobility, and thermodynamic stability) indicates that this missense variant is not expected to disrupt DICER1 protein function with a negative predictive value of 95%. In summary, the available evidence is currently insufficient to determine the role of this variant in disease. Therefore, it has been classified as a Variant of Uncertain Significance.

Baylor Genetics
Classification: Uncertain significance for Global developmental delay - lung cysts - overgrowth - Wilms tumor syndrome. Last evaluated: 2023-07-25. Review status: criteria provided, single submitter. Criteria: ACMG Guidelines, 2015. Collection method: clinical testing. Allele origin: unknown.

NM_177438.3(DICER1):c.1060A>C (p.Lys354Gln)

Gene: DICER1 (dicer 1, ribonuclease III; minus strand). Cytogenetic location: 14q32.13.
Variant type: single nucleotide variant.
Coding change: c.1060A>C on transcript NM_177438.3 (MANE Select); coding-DNA position 1060, A replaced by C.
Protein change: p.Lys354Gln; replaces lysine 354 with glutamine.
Molecular consequence: missense variant.
Genome position (GRCh38, 1-based): chr14:95,124,512, T>G on the plus strand (A>C on the coding strand, the complement: DICER1 is on the minus strand). VCF-style: chr14-95124512-T-G. GRCh37 (hg19) VCF-style: chr14-95590849-T-G.
Other names: c.1060A>C, p.Lys354Gln (NM_001195573.1, NM_001271282.3, NM_001291628.2 and 1 more transcripts); short protein forms K354Q.
Identifiers: ClinVar variation 835106 (VCV000835106.15), dbSNP rs1893229342, ClinGen allele CA390887050.
Genomic context (GRCh38, chr14:95,124,512, plus strand): 5'-TTACAAATTTCAGGTCAAGTGAGGCAGGTGAGAAGTGCTCTTCACATAGTGCATGTATTT[T>G]CCTTAGGAAAGTGTCTGTAAACAATAAAAATTTCCTGTGCAGCTCCTCTTGCTCATGTTT-3'
Protein context (NP_803187.1, residues 344-364): FLLFTDTFLR[Lys354Gln]IHALCEEHFS